The following is an entry in ClinVar:

ClinVar aggregate classification (germline): Uncertain significance (1 of 4 stars; one submission).

Allele frequency attached by ClinVar (database versions not stated): gnomAD exomes below 0.00001.
gnomAD v4.1: 1 of 1,210,181 alleles (0.000083%); highest among the groups gnomAD compares: Non-Finnish European, 0.00011%; no homozygotes.

Submission:

Labcorp Genetics (formerly Invitae), Labcorp
Classification: Uncertain significance. Last evaluated: 2021-02-25. Review status: criteria provided, single submitter. Criteria: Invitae Variant Classification Sherloc (09022015). Collection method: clinical testing. Allele origin: germline.
Comment: In summary, the available evidence is currently insufficient to determine the role of this variant in disease. Therefore, it has been classified as a Variant of Uncertain Significance. Algorithms developed to predict the effect of missense changes on protein structure and function are either unavailable or do not agree on the potential impact of this missense change (SIFT: "Deleterious"; PolyPhen-2: "Benign"; Align-GVGD: "Class C0"). This variant has not been reported in the literature in individuals with GABRA3-related conditions. This variant is not present in population databases (ExAC no frequency). This sequence change replaces methionine with threonine at codon 488 of the GABRA3 protein (p.Met488Thr). The methionine residue is moderately conserved and there is a moderate physicochemical difference between methionine and threonine.

NM_000808.4(GABRA3):c.1463T>C (p.Met488Thr)

Gene: GABRA3 (gamma-aminobutyric acid type A receptor subunit alpha3; minus strand). Cytogenetic location: Xq28.
Variant type: single nucleotide variant.
Coding change: c.1463T>C on transcript NM_000808.4 (MANE Select); coding-DNA position 1463, T replaced by C.
Protein change: p.Met488Thr; replaces methionine 488 with threonine.
Molecular consequence: missense variant.
Genome position (GRCh38, 1-based): chrX:152,168,244, A>G on the plus strand (T>C on the coding strand, the complement: GABRA3 is on the minus strand). VCF-style: chrX-152168244-A-G. GRCh37 (hg19) VCF-style: chrX-151336716-A-G.
Other names: short protein forms M488T.
Identifiers: ClinVar variation 1440978 (VCV001440978.8), dbSNP rs2124320413, ClinGen allele CA415280959.